The following is an entry in ClinVar:

NM_000179.3(MSH6):c.4015G>C (p.Ala1339Pro)

Gene: MSH6 (mutS homolog 6; plus strand). Cytogenetic location: 2p16.3.
Variant type: single nucleotide variant.
Coding change: c.4015G>C on transcript NM_000179.3 (MANE Select); coding-DNA position 4015, G replaced by C.
Protein change: p.Ala1339Pro; replaces alanine 1339 with proline.
Molecular consequence: missense variant.
Genome position (GRCh38, 1-based): chr2:47,806,792, G>C. VCF-style: chr2-47806792-G-C. GRCh37 (hg19) VCF-style: chr2-48033931-G-C.
Other names: c.3625G>C, p.Ala1209Pro (NM_001281492.2); c.3109G>C, p.Ala1037Pro (NM_001281493.2, NM_001281494.2, NM_001406811.1 and 6 more transcripts); c.4111G>C, p.Ala1371Pro (NM_001406795.1); c.4015G>C, p.Ala1339Pro (NM_001406796.1, NM_001406809.1); c.3718G>C, p.Ala1240Pro (NM_001406797.1, NM_001406805.1, NM_001406818.1 and 8 more transcripts); c.3841G>C, p.Ala1281Pro (NM_001406798.1); c.3490G>C, p.Ala1164Pro (NM_001406799.1, NM_001406806.1, NM_001406807.1); c.*36G>C (NM_001406800.1); and 11 more; short protein forms A1283P, A288P, A654P, A817P, G1337A, A1164P, G1304A, A1209P.
Identifiers: ClinVar variation 1737056 (VCV001737056.3), dbSNP rs2104580527, ClinGen allele CA346761646.

ClinVar aggregate classification (germline): Uncertain significance. Review status: criteria provided, multiple submitters, no conflicts (2 of 4 stars). 2 submissions from 2 submitters: Uncertain significance (2). Last evaluated 2024-08-06.

Conditions:
Lynch syndrome. Identifiers: Orphanet 144, MedGen C4552100, MONDO:0005835. Disease mechanism: loss of function.
Hereditary cancer-predisposing syndrome. Also called: Neoplastic Syndromes, Hereditary; Tumor predisposition; Hereditary Cancer Syndrome; Hereditary neoplastic syndrome. Identifiers: Orphanet 140162, MedGen C0027672, MeSH D009386, MONDO:0015356.

Allele frequency attached by ClinVar (database versions not stated): gnomAD exomes below 0.00001.
gnomAD v4.1: 1 of 1,602,612 alleles (0.000062%); highest among the groups gnomAD compares: Non-Finnish European, 0.000085%; no homozygotes.

Submissions (2):

All of Us Research Program, National Institutes of Health
Classification: Uncertain significance for Lynch syndrome. Last evaluated: 2024-08-06. Review status: criteria provided, single submitter. Criteria: ACMG Guidelines, 2015. Collection method: clinical testing. Allele origin: germline. Inheritance: Autosomal dominant inheritance. Observed: 1 variant allele, 1 heterozygote.
Comment: This study involves interpretation of variants in research participants for the purpose of population health screening. Participant phenotype was not available at the time of variant classification. Additional details can be found in publication PMID: 35346344, PMCID: PMC8962531

Ambry Genetics
Classification: Uncertain significance for Hereditary cancer-predisposing syndrome. Last evaluated: 2022-08-03. Review status: criteria provided, single submitter. Criteria: Ambry Variant Classification Scheme 2023. Collection method: clinical testing. Allele origin: germline.
Comment: The p.A1339P variant (also known as c.4015G>C), located in coding exon 10 of the MSH6 gene, results from a G to C substitution at nucleotide position 4015. The alanine at codon 1339 is replaced by proline, an amino acid with highly similar properties. This amino acid position is conserved. In addition, the in silico prediction for this alteration is inconclusive. Since supporting evidence is limited at this time, the clinical significance of this alteration remains unclear.